The following is an entry in ClinVar:

NM_020693.4(DSCAML1):c.1363C>T (p.Arg455Cys)

Gene: DSCAML1 (DS cell adhesion molecule like 1; minus strand). Cytogenetic location: 11q23.3.
Variant type: single nucleotide variant.
Coding change: c.1363C>T on transcript NM_020693.4 (MANE Select); coding-DNA position 1363, C replaced by T.
Protein change: p.Arg455Cys; replaces arginine 455 with cysteine.
Molecular consequence: missense variant.
Genome position (GRCh38, 1-based): chr11:117,518,613, G>A on the plus strand (C>T on the coding strand, the complement: DSCAML1 is on the minus strand). VCF-style: chr11-117518613-G-A. GRCh37 (hg19) VCF-style: chr11-117389328-G-A.
Other names: c.1363C>T, p.Arg455Cys (NM_001367904.1); c.955C>T, p.Arg319Cys (NM_001367905.1); short protein forms R455C, R319C.
Identifiers: ClinVar variation 1444114 (VCV001444114.6), dbSNP rs201713277, ClinGen allele CA6297283.

ClinVar aggregate classification (germline): Uncertain significance (1 of 4 stars; one submission).

Allele frequency attached by ClinVar (database versions not stated): gnomAD 0.00001; gnomAD exomes 0.00001; ExAC 0.00002; TOPMed 0.00003; ESP Exome Variant Server 0.00015.
gnomAD v4.1: 22 of 1,613,596 alleles (0.0014%); highest among the groups gnomAD compares: Non-Finnish European, 0.0017%; no homozygotes.

Submission:

Labcorp Genetics (formerly Invitae), Labcorp
Classification: Uncertain significance. Last evaluated: 2025-06-27. Review status: criteria provided, single submitter. Criteria: Invitae Variant Classification Sherloc (09022015). Collection method: clinical testing. Allele origin: germline.
Comment: This sequence change replaces arginine, which is basic and polar, with cysteine, which is neutral and slightly polar, at codon 515 of the DSCAML1 protein (p.Arg515Cys). This variant is present in population databases (rs201713277, gnomAD 0.007%). This variant has not been reported in the literature in individuals affected with DSCAML1-related conditions. ClinVar contains an entry for this variant (Variation ID: 1444114). An algorithm developed to predict the effect of missense changes on protein structure and function (PolyPhen-2) suggests that this variant is likely to be disruptive. In summary, the available evidence is currently insufficient to determine the role of this variant in disease. Therefore, it has been classified as a Variant of Uncertain Significance.